The following is an entry in ClinVar:

NM_000081.4(LYST):c.2845C>T (p.Leu949Phe)

Gene: LYST (lysosomal trafficking regulator; minus strand). Cytogenetic location: 1q42.3.
Variant type: single nucleotide variant.
Coding change: c.2845C>T on transcript NM_000081.4 (MANE Select); coding-DNA position 2845, C replaced by T.
Protein change: p.Leu949Phe; replaces leucine 949 with phenylalanine.
Molecular consequence: missense variant.
Genome position (GRCh38, 1-based): chr1:235,806,291, G>A on the plus strand (C>T on the coding strand, the complement: LYST is on the minus strand). VCF-style: chr1-235806291-G-A. GRCh37 (hg19) VCF-style: chr1-235969591-G-A.
Other names: c.2845C>T, p.Leu949Phe (NM_001301365.1); short protein forms L949F.
Identifiers: ClinVar variation 1960630 (VCV001960630.3), dbSNP rs2527078425, ClinGen allele CA344955013.

ClinVar aggregate classification (germline): Uncertain significance (1 of 4 stars; one submission).

Conditions:
Chédiak-Higashi syndrome (CHS). Also called: Chediak-Higashi Syndrome. Identifiers: Orphanet 167, MedGen C0007965, MONDO:0008963, OMIM 214500.

Submission:

Labcorp Genetics (formerly Invitae), Labcorp
Classification: Uncertain significance for Chédiak-Higashi syndrome. Last evaluated: 2022-06-08. Review status: criteria provided, single submitter. Criteria: Invitae Variant Classification Sherloc (09022015). Collection method: clinical testing. Allele origin: germline.
Comment: In summary, the available evidence is currently insufficient to determine the role of this variant in disease. Therefore, it has been classified as a Variant of Uncertain Significance. Algorithms developed to predict the effect of missense changes on protein structure and function are either unavailable or do not agree on the potential impact of this missense change (SIFT: "Tolerated"; PolyPhen-2: "Probably Damaging"; Align-GVGD: "Class C0"). This variant has not been reported in the literature in individuals affected with LYST-related conditions. This variant is not present in population databases (gnomAD no frequency). This sequence change replaces leucine, which is neutral and non-polar, with phenylalanine, which is neutral and non-polar, at codon 949 of the LYST protein (p.Leu949Phe).